The following is an entry in ClinVar:

ClinVar aggregate classification (germline): Likely benign. Review status: criteria provided, multiple submitters, no conflicts (2 of 4 stars). 3 submissions from 3 submitters: Likely benign (2). 1 of the submissions does not count toward it. Last evaluated 2024-04-10.

Conditions:
CD151-related disorder. Also called: CD151-related condition.

Allele frequency attached by ClinVar (database versions not stated): gnomAD 0.00002; ExAC 0.00004; gnomAD exomes 0.00004; TOPMed 0.00007; ESP Exome Variant Server 0.00031.

Submissions (3):

Labcorp Genetics (formerly Invitae), Labcorp
Classification: Likely benign. Last evaluated: 2024-04-10. Review status: criteria provided, single submitter. Criteria: Invitae Variant Classification Sherloc (09022015). Collection method: clinical testing. Allele origin: germline.

Blueprint Genetics
Classification: Likely benign. Last evaluated: 2024-03-18. Review status: criteria provided, single submitter. Criteria: ACMG Guidelines, 2015. Collection method: clinical testing. Allele origin: germline.

PreventionGenetics, part of Exact Sciences
Classification: Likely benign for CD151-related condition. Last evaluated: 2019-03-05. Review status: no assertion criteria provided. Collection method: clinical testing. Allele origin: germline. Not counted in ClinVar's aggregate classification.
Comment: This variant is classified as likely benign based on ACMG/AMP sequence variant interpretation guidelines (Richards et al. 2015 PMID: 25741868, with internal and published modifications).

NM_004357.5(CD151):c.294C>T (p.Leu98=)

Gene: CD151 (CD151 molecule (Raph blood group); plus strand). Cytogenetic location: 11p15.5.
Variant type: single nucleotide variant.
Coding change: c.294C>T on transcript NM_004357.5 (MANE Select); coding-DNA position 294, C replaced by T.
Protein change: p.Leu98=; no amino-acid change (leucine 98 retained).
Molecular consequence: synonymous variant.
Genome position (GRCh38, 1-based): chr11:836,786, C>T. VCF-style: chr11-836786-C-T. GRCh37 (hg19) VCF-style: chr11-836786-C-T.
Other names: c.294C>T, p.Leu98= (NM_001039490.2, NM_139029.2, NM_139030.4).
Identifiers: ClinVar variation 2173161 (VCV002173161.7), dbSNP rs144204595, ClinGen allele CA5792143.
Genomic context (GRCh38, chr11:836,786, plus strand): 5'-ACTAGGCCTCAGAACAAGGGTGCCCTTGTGCTGCCCCCCCCAGTACTTCATCCTGCTCCT[C>T]ATCATCTTTCTGCTGGAGATCATCGCTGGTATCCTCGCCTACGCCTACTACCAGCAGGTG-3'
Protein context (NP_004348.2, residues 88-108): NLLRLYFILL[Leu98=]IIFLLEIIAG